The following is an entry in ClinVar:

ClinVar aggregate classification (germline): Benign/Likely benign. Review status: criteria provided, multiple submitters, no conflicts (2 of 4 stars). 3 submissions from 3 submitters: Benign (1); Likely benign (2). Last evaluated 2024-07-02.

Conditions:
Hereditary cancer-predisposing syndrome. Also called: Tumor predisposition; Hereditary Cancer Syndrome; Neoplastic Syndromes, Hereditary; Hereditary neoplastic syndrome. Identifiers: Orphanet 140162, MedGen C0027672, MeSH D009386, MONDO:0015356.
Oligodontia-cancer predisposition syndrome. Also called: TOOTH AGENESIS-COLORECTAL CANCER SYNDROME. Identifiers: Orphanet 300576, MedGen C1837750, MONDO:0012075, OMIM 608615. Disease mechanism: loss of function.

gnomAD v4.1: 1 of 1,587,142 alleles (0.000063%); highest among the groups gnomAD compares: Non-Finnish European, 0.000086%; no homozygotes.

Submissions (3):

Myriad Genetics, Inc.
Classification: Benign for Oligodontia-cancer predisposition syndrome. Last evaluated: 2024-07-02. Review status: criteria provided, single submitter. Criteria: Myriad Autosomal Dominant, Autosomal Recessive and X-Linked Classification Criteria (2023). Collection method: clinical testing. Allele origin: unknown.
Comment: This variant is considered benign. This variant is a silent/synonymous amino acid change and it is not expected to impact splicing.

Labcorp Genetics (formerly Invitae), Labcorp
Classification: Likely benign for Oligodontia-cancer predisposition syndrome. Last evaluated: 2024-05-08. Review status: criteria provided, single submitter. Criteria: Invitae Variant Classification Sherloc (09022015). Collection method: clinical testing. Allele origin: germline.

Ambry Genetics
Classification: Likely benign for Hereditary cancer-predisposing syndrome. Last evaluated: 2021-11-09. Review status: criteria provided, single submitter. Criteria: Ambry Variant Classification Scheme 2023. Collection method: clinical testing. Allele origin: germline.

NM_004655.4(AXIN2):c.1260G>A (p.Gln420=)

Gene: AXIN2 (axin 2; minus strand). Cytogenetic location: 17q24.1.
Variant type: single nucleotide variant.
Coding change: c.1260G>A on transcript NM_004655.4 (MANE Select); coding-DNA position 1260, G replaced by A.
Protein change: p.Gln420=; no amino-acid change (glutamine 420 retained).
Molecular consequence: synonymous variant.
Genome position (GRCh38, 1-based): chr17:65,537,776, C>T on the plus strand (G>A on the coding strand, the complement: AXIN2 is on the minus strand). VCF-style: chr17-65537776-C-T. GRCh37 (hg19) VCF-style: chr17-63533894-C-T.
Other names: c.1260G>A, p.Gln420= (NM_001363813.1).
Identifiers: ClinVar variation 1109015 (VCV001109015.12), dbSNP rs771340546, ClinGen allele CA501691338.